The following is an entry in ClinVar:

ClinVar aggregate classification (germline): Likely pathogenic. Review status: criteria provided, multiple submitters, no conflicts (2 of 4 stars). 6 submissions from 5 submitters: Likely pathogenic (5). 1 of the submissions does not count toward it. Last evaluated 2024-01-05.

Conditions:
Retinitis pigmentosa 39 (RP39). Identifiers: Orphanet 791, MedGen C3151138, MONDO:0013436, OMIM 613809.
Usher syndrome type 2A. Also called: RETINAL DISEASE IN USHER SYNDROME TYPE IIA, MODIFIER OF; USHER SYNDROME, TYPE IIA. Identifiers: Orphanet 231178, Orphanet 886, MedGen C1848634, MONDO:0010169, OMIM 276901.

gnomAD v4.1: 2 of 1,613,198 alleles (0.00012%); highest among the groups gnomAD compares: Middle Eastern, 0.017%; no homozygotes.

Submissions (6):

Fulgent Genetics
Classification: Likely pathogenic for Usher syndrome type 2A; Retinitis pigmentosa 39. Last evaluated: 2024-01-05. Review status: criteria provided, single submitter. Criteria: ACMG Guidelines, 2015. Collection method: clinical testing. Allele origin: germline.

Genome-Nilou Lab
Classification: Likely pathogenic for Retinitis pigmentosa 39. Last evaluated: 2023-04-11. Review status: criteria provided, single submitter. Criteria: ACMG Guidelines, 2015. Collection method: clinical testing. Allele origin: germline. Affected: no.

Genome-Nilou Lab
Classification: Likely pathogenic for Usher syndrome type 2A. Last evaluated: 2023-04-11. Review status: criteria provided, single submitter. Criteria: ACMG Guidelines, 2015. Collection method: clinical testing. Allele origin: germline. Affected: no.

Baylor Genetics
Classification: Likely pathogenic for Retinitis pigmentosa 39. Last evaluated: 2023-03-12. Review status: criteria provided, single submitter. Criteria: ACMG Guidelines, 2015. Collection method: clinical testing. Allele origin: unknown.

Labcorp Genetics (formerly Invitae), Labcorp
Classification: Likely pathogenic. Last evaluated: 2021-01-05. Review status: criteria provided, single submitter. Criteria: Invitae Variant Classification Sherloc (09022015). Collection method: clinical testing. Allele origin: germline.
Comment: This variant is not present in population databases (ExAC no frequency). In summary, the currently available evidence indicates that the variant is pathogenic, but additional data are needed to prove that conclusively. Therefore, this variant has been classified as Likely Pathogenic. Algorithms developed to predict the effect of sequence changes on RNA splicing suggest that this variant may disrupt the consensus splice site, but this prediction has not been confirmed by published transcriptional studies. This variant has not been reported in the literature in individuals with USH2A-related conditions. ClinVar contains an entry for this variant (Variation ID: 557923). This sequence change affects a donor splice site in intron 45 of the USH2A gene. It is expected to disrupt RNA splicing. Variants that disrupt the donor or acceptor splice site typically lead to a loss of protein function (PMID: 16199547), and loss-of-function variants in USH2A are known to be pathogenic (PMID: 10729113, 10909849, 20507924, 25649381).

Counsyl
Classification: Likely pathogenic for Usher syndrome type 2A; Retinitis pigmentosa 39. Last evaluated: 2018-04-17. Review status: no assertion criteria provided. Collection method: clinical testing. Allele origin: unknown. Not counted in ClinVar's aggregate classification.

Literature cited by the submitters: PubMed 16199547 (cited by Labcorp Genetics (formerly Invitae), Labcorp); PubMed 10729113 (cited by Labcorp Genetics (formerly Invitae), Labcorp); PubMed 10909849 (cited by Labcorp Genetics (formerly Invitae), Labcorp); PubMed 20507924 (cited by Labcorp Genetics (formerly Invitae), Labcorp); PubMed 25649381 (cited by Labcorp Genetics (formerly Invitae), Labcorp).

NM_206933.4(USH2A):c.9055+1G>A

Gene: USH2A (usherin; minus strand). Cytogenetic location: 1q41.
Variant type: single nucleotide variant.
Coding change: c.9055+1G>A on transcript NM_206933.4 (MANE Select); the canonical splice donor site of the intron after coding-DNA position 9055, G replaced by A.
Molecular consequence: splice donor variant.
Genome position (GRCh38, 1-based): chr1:215,845,823, C>T on the plus strand (G>A on the coding strand, the complement: USH2A is on the minus strand). VCF-style: chr1-215845823-C-T. GRCh37 (hg19) VCF-style: chr1-216019165-C-T.
Identifiers: ClinVar variation 557923 (VCV000557923.13), dbSNP rs1553268562, ClinGen allele CA344840105.